The following is an entry in ClinVar:

NM_000868.4(HTR2C):c.642C>T (p.Phe214=)

Genes: HTR2C (5-hydroxytryptamine receptor 2C; plus strand), LOC126863306 (MED14-independent group 3 enhancer GRCh37_chrX:114140926-114142125; plus strand). Cytogenetic location: Xq23.
Variant type: single nucleotide variant.
Coding change: c.642C>T on transcript NM_000868.4 (MANE Select); coding-DNA position 642, C replaced by T.
Protein change: p.Phe214=; no amino-acid change (phenylalanine 214 retained).
Molecular consequence: synonymous variant. On other transcripts: missense variant (1).
Genome position (GRCh38, 1-based): chrX:114,906,680, C>T. VCF-style: chrX-114906680-C-T. GRCh37 (hg19) VCF-style: chrX-114141243-C-T.
Other names: c.642C>T, p.Phe214= (NM_001256760.3); c.547C>T, p.Arg183Cys (NM_001256761.3); short protein forms R183C.
Identifiers: ClinVar variation 3351830 (VCV003351830.1).

ClinVar aggregate classification (germline): Uncertain significance (0 of 4 stars; one submission).

Conditions:
HTR2C-related disorder. Also called: HTR2C-related condition.

gnomAD v4.1: 11 of 1,208,218 alleles (0.00091%); highest among the groups gnomAD compares: African/African-American, 0.016%; no homozygotes.

Submission:

PreventionGenetics, part of Exact Sciences
Classification: Uncertain significance for HTR2C-related condition. Last evaluated: 2024-03-27. Review status: no assertion criteria provided. Collection method: clinical testing. Allele origin: germline.
Comment: The HTR2C c.547C>T variant is predicted to result in the amino acid substitution p.Arg183Cys. To our knowledge, this variant has not been reported in the literature. This variant is reported in 0.016% of alleles in individuals of African descent in gnomAD, which is more common than other known or suspected pathogenic variants in HTR2C. Although we suspect this variant may be benign, at this time, the clinical significance of this variant is uncertain due to the absence of conclusive functional and genetic evidence.